The following is an entry in ClinVar:

ClinVar aggregate classification (germline): Pathogenic/Likely pathogenic. Review status: criteria provided, multiple submitters, no conflicts (2 of 4 stars). 3 submissions from 3 submitters: Pathogenic (2); Likely pathogenic (1). Last evaluated 2024-05-23.

Conditions:
Retinitis pigmentosa 14 (RP14). Also called: RETINITIS PIGMENTOSA, JUVENILE, TULP1-RELATED. Identifiers: Orphanet 791, MedGen C1838603, MONDO:0010827, OMIM 600132.
Leber congenital amaurosis 15 (LCA15). Identifiers: Orphanet 65, MedGen C3151206, MONDO:0013457, OMIM 613843.
Leber congenital amaurosis 1 (LCA1). Also called: Congenital absence of the rods and cones; Leber's congenital tapetoretinal degeneration; Leber's congenital tapetoretinal dysplasia; AMAUROSIS CONGENITA OF LEBER I; RETINAL BLINDNESS, CONGENITAL. Identifiers: Orphanet 65, MedGen C2931258, MONDO:0008764, OMIM 204000.

Submissions (3):

Fulgent Genetics
Classification: Likely pathogenic for Retinitis pigmentosa 14; Leber congenital amaurosis 15. Last evaluated: 2024-05-23. Review status: criteria provided, single submitter. Criteria: ACMG Guidelines, 2015. Collection method: clinical testing. Allele origin: germline.

Labcorp Genetics (formerly Invitae), Labcorp
Classification: Pathogenic. Last evaluated: 2022-10-24. Review status: criteria provided, single submitter. Criteria: Invitae Variant Classification Sherloc (09022015). Collection method: clinical testing. Allele origin: germline.
Comment: ClinVar contains an entry for this variant (Variation ID: 802208). This sequence change creates a premature translational stop signal (p.Asn463Thrfs*54) in the TULP1 gene. While this is not anticipated to result in nonsense mediated decay, it is expected to disrupt the last 80 amino acid(s) of the TULP1 protein. This variant is not present in population databases (gnomAD no frequency). This variant has not been reported in the literature in individuals affected with TULP1-related conditions. This variant disrupts a region of the TULP1 protein in which other variant(s) (p.Arg482Trp) have been determined to be pathogenic (PMID: 17620573, 23661368; Invitae). This suggests that this is a clinically significant region of the protein, and that variants that disrupt it are likely to be disease-causing. For these reasons, this variant has been classified as Pathogenic.

Mendelics
Classification: Pathogenic for Leber congenital amaurosis 1. Last evaluated: 2019-05-28. Review status: criteria provided, single submitter. Criteria: Mendelics Assertion Criteria 2017. Collection method: clinical testing. Allele origin: unknown.

Literature cited by the submitters: PubMed 17620573 (cited by Labcorp Genetics (formerly Invitae), Labcorp); PubMed 23661368 (cited by Labcorp Genetics (formerly Invitae), Labcorp).

NM_003322.6(TULP1):c.1388del (p.Asn463fs)

Gene: TULP1 (TUB like protein 1; minus strand). Cytogenetic location: 6p21.31.
Variant type: Deletion.
Coding change: c.1388del on transcript NM_003322.6 (MANE Select); coding-DNA position 1388, one base deleted (A; older notation c.1388delA).
Protein change: p.Asn463fs; shifts the reading frame from asparagine 463.
Molecular consequence: frameshift variant.
Genome position (GRCh38, 1-based): chr6:35,500,088, T deleted on the plus strand (A on the coding strand, the reverse complement: TULP1 is on the minus strand); the first of 2 consecutive T bases (chr6:35,500,088-35,500,089); deleting either gives the same sequence. VCF-style (leftmost placement, unchanged base first): chr6-35500087-GT-G. GRCh37 (hg19) VCF-style: chr6-35467864-GT-G.
Other names: c.1229del, p.Asn410fs (NM_001289395.2); short protein forms N410fs, N463fs.
Identifiers: ClinVar variation 802208 (VCV000802208.6), dbSNP rs1581736024, ClinGen allele CA915944234.